The following is an entry in ClinVar:

ClinVar aggregate classification (germline): Uncertain significance (1 of 4 stars; one submission).

Conditions:
Fanconi anemia (FA). Also called: Fanconi's anemia. Identifiers: Orphanet 84, MedGen C0015625, MeSH D005199, MONDO:0019391.

Allele frequency attached by ClinVar (database versions not stated): gnomAD 0.00001; TOPMed 0.00002.
gnomAD v4.1: 1 of 1,209,988 alleles (0.000083%); highest among the groups gnomAD compares: Non-Finnish European, 0.00011%; no homozygotes.

Submission:

Labcorp Genetics (formerly Invitae), Labcorp
Classification: Uncertain significance for Fanconi anemia. Last evaluated: 2023-04-24. Review status: criteria provided, single submitter. Criteria: Invitae Variant Classification Sherloc (09022015). Collection method: clinical testing. Allele origin: germline.
Comment: Advanced modeling of protein sequence and biophysical properties (such as structural, functional, and spatial information, amino acid conservation, physicochemical variation, residue mobility, and thermodynamic stability) performed at Invitae indicates that this missense variant is not expected to disrupt FANCB protein function. This sequence change replaces alanine, which is neutral and non-polar, with valine, which is neutral and non-polar, at codon 258 of the FANCB protein (p.Ala258Val). This variant is present in population databases (no rsID available, gnomAD 0.001%), including at least one homozygous and/or hemizygous individual. This variant has not been reported in the literature in individuals affected with FANCB-related conditions. In summary, the available evidence is currently insufficient to determine the role of this variant in disease. Therefore, it has been classified as a Variant of Uncertain Significance.

NM_001018113.3(FANCB):c.773C>T (p.Ala258Val)

Gene: FANCB (FA complementation group B; minus strand). Cytogenetic location: Xp22.2.
Variant type: single nucleotide variant.
Coding change: c.773C>T on transcript NM_001018113.3 (MANE Select); coding-DNA position 773, C replaced by T.
Protein change: p.Ala258Val; replaces alanine 258 with valine.
Molecular consequence: missense variant.
Genome position (GRCh38, 1-based): chrX:14,864,738, G>A on the plus strand (C>T on the coding strand, the complement: FANCB is on the minus strand). VCF-style: chrX-14864738-G-A. GRCh37 (hg19) VCF-style: chrX-14882860-G-A.
Other names: c.773C>T, p.Ala258Val (NM_001324162.2, NM_001410764.1, NM_152633.4); short protein forms A258V.
Identifiers: ClinVar variation 2716181 (VCV002716181.3), dbSNP rs990556958, ClinGen allele CA327063397.